The following is an entry in ClinVar:

NM_020117.11(LARS1):c.2817T>C (p.Tyr939=)

Gene: LARS1 (leucyl-tRNA synthetase 1; minus strand). Cytogenetic location: 5q32.
Variant type: single nucleotide variant.
Coding change: c.2817T>C on transcript NM_020117.11 (MANE Select); coding-DNA position 2817, T replaced by C.
Protein change: p.Tyr939=; no amino-acid change (tyrosine 939 retained).
Molecular consequence: synonymous variant.
Genome position (GRCh38, 1-based): chr5:146,128,735, A>G on the plus strand (T>C on the coding strand, the complement: LARS1 is on the minus strand). VCF-style: chr5-146128735-A-G. GRCh37 (hg19) VCF-style: chr5-145508298-A-G.
Other names: p.Y939Y:TAT>TAC; c.2679T>C, p.Tyr893= (NM_001317964.2); c.2655T>C, p.Tyr885= (NM_001317965.2); c.2736T>C, p.Tyr912= (NM_016460.4).
Identifiers: ClinVar variation 138097 (VCV000138097.11), dbSNP rs141727672, ClinGen allele CA291901.
Genomic context (GRCh38, chr5:146,128,735, plus strand): 5'-AAAGTGTTTACGTAGAACAGACAGGGTGGTATGTTGCCAAGGTGGATAGTTCTTTGCCAC[A>G]TAGATGGTGCAATGTGAGGGCTTCTGCAGGGGTTGTTTGTCAGTCTTCTAGACGGTAAAA-3'
Protein context (NP_064502.9, residues 929-949): PLQKPSHCTI[Tyr939=]VAKNYPPWQH

ClinVar aggregate classification (germline): Benign. Review status: criteria provided, multiple submitters, no conflicts (2 of 4 stars). 2 submissions from 2 submitters: Benign (2). Last evaluated 2026-02-02.

Allele frequency attached by ClinVar (database versions not stated): 1000 Genomes Project 0.00679; 1000 Genomes Project 30x 0.00781; ExAC 0.00840; gnomAD exomes 0.00847; gnomAD 0.01004 and 0.01041; TOPMed 0.01102; ESP Exome Variant Server 0.01223.
gnomAD v4.1: 22,037 of 1,601,948 alleles (1.4%); highest among the groups gnomAD compares: Non-Finnish European, 1.7%; 180 homozygotes.

Submissions (2):

Labcorp Genetics (formerly Invitae), Labcorp
Classification: Benign. Last evaluated: 2026-02-02. Review status: criteria provided, single submitter. Criteria: Invitae Variant Classification Sherloc (09022015). Collection method: clinical testing. Allele origin: germline.

GeneDx
Classification: Benign. Last evaluated: 2013-11-19. Review status: criteria provided, single submitter. Criteria: GeneDx Variant Classification (06012015). Collection method: clinical testing. Allele origin: germline. Affected: yes.
Comment: This variant is considered likely benign or benign based on one or more of the following criteria: it is a conservative change, it occurs at a poorly conserved position in the protein, it is predicted to be benign by multiple in silico algorithms, and/or has population frequency not consistent with disease.